The following is an entry in ClinVar:

NM_006303.4(AIMP2):c.63C>T (p.Pro21=)

Gene: AIMP2 (aminoacyl tRNA synthetase complex interacting multifunctional protein 2; plus strand). Cytogenetic location: 7p22.1.
Variant type: single nucleotide variant.
Coding change: c.63C>T on transcript NM_006303.4 (MANE Select); coding-DNA position 63, C replaced by T.
Protein change: p.Pro21=; no amino-acid change (proline 21 retained).
Molecular consequence: synonymous variant. On other transcripts: 5 prime UTR variant (1), intron variant (3).
Genome position (GRCh38, 1-based): chr7:6,009,426, C>T. VCF-style: chr7-6009426-C-T. GRCh37 (hg19) VCF-style: chr7-6049057-C-T.
Other names: c.63C>T, p.Pro21= (NM_001326607.2); c.-258C>T (NM_001326609.2); c.-238+48C>T (NM_001326611.3); c.-251+48C>T (NM_001326610.2); c.15+48C>T (NM_001326606.2); c.63C>T (NM_006303.3).
Identifiers: ClinVar variation 1632435 (VCV001632435.10), dbSNP rs145382336, ClinGen allele CA4150183.

ClinVar aggregate classification (germline): Likely benign. Review status: criteria provided, single submitter (1 of 4 stars). 2 submissions from 2 submitters: Likely benign (1). 1 of the submissions does not count toward it. Last evaluated 2024-12-02.

Conditions:
AIMP2-related disorder. Also called: AIMP2-related condition.

Allele frequency attached by ClinVar (database versions not stated): gnomAD 0.00009 and 0.00010; ESP Exome Variant Server 0.00015; TOPMed 0.00015; gnomAD exomes 0.00016; ExAC 0.00017; 1000 Genomes Project 0.00020.
gnomAD v4.1: 225 of 1,611,424 alleles (0.014%); highest among the groups gnomAD compares: Middle Eastern, 0.022%; no homozygotes.

Submissions (2):

Labcorp Genetics (formerly Invitae), Labcorp
Classification: Likely benign. Last evaluated: 2024-12-02. Review status: criteria provided, single submitter. Criteria: Invitae Variant Classification Sherloc (09022015). Collection method: clinical testing. Allele origin: germline.

PreventionGenetics, part of Exact Sciences
Classification: Likely benign for AIMP2-related condition. Last evaluated: 2019-08-09. Review status: no assertion criteria provided. Collection method: clinical testing. Allele origin: germline. Not counted in ClinVar's aggregate classification.
Comment: This variant is classified as likely benign based on ACMG/AMP sequence variant interpretation guidelines (Richards et al. 2015 PMID: 25741868, with internal and published modifications).